The following is an entry in ClinVar:

ClinVar aggregate classification (germline): Uncertain significance (1 of 4 stars; one submission).

Conditions:
Van der Woude syndrome 2 (VWS2). Identifiers: Orphanet 888, MedGen C1847604, MONDO:0011712, OMIM 606713.

Submission:

Clinical Genetics Laboratory, University Hospital Schleswig-Holstein
Classification: Uncertain significance for Van der Woude syndrome 2. Last evaluated: 2025-06-20. Review status: criteria provided, single submitter. Criteria: ACMG Guidelines, 2015. Collection method: clinical testing. Allele origin: maternal. Affected: yes. Observed: 1 heterozygote.
Comment: ACMG criteria applied: PM2_Supporting, PP3, PP4, BS4_Supporting

NM_198173.3(GRHL3):c.136G>A (p.Ala46Thr)

Gene: GRHL3 (grainyhead like transcription factor 3; plus strand). Cytogenetic location: 1p36.11.
Variant type: single nucleotide variant.
Coding change: c.136G>A on transcript NM_198173.3 (MANE Select); coding-DNA position 136, G replaced by A.
Protein change: p.Ala46Thr; replaces alanine 46 with threonine.
Molecular consequence: missense variant. On other transcripts: 5 prime UTR variant (1).
Genome position (GRCh38, 1-based): chr1:24,331,544, G>A. VCF-style: chr1-24331544-G-A. GRCh37 (hg19) VCF-style: chr1-24658034-G-A.
Other names: c.-3G>A (NM_001195010.2); c.151G>A, p.Ala51Thr (NM_021180.4); c.136G>A, p.Ala46Thr (NM_198174.3); short protein forms A46T, A51T.
Identifiers: ClinVar variation 4081995 (VCV004081995.2).